The following is an entry in ClinVar:

ClinVar aggregate classification (germline): Uncertain significance (1 of 4 stars; one submission).

Conditions:
Aortic aneurysm, familial thoracic 7 (AAT7). Also called: AORTIC DISSECTION, FAMILIAL, WITH OR WITHOUT AORTIC ANEURYSM. Identifiers: MedGen C3151077, MONDO:0013418, OMIM 613780.

Submission:

Labcorp Genetics (formerly Invitae), Labcorp
Classification: Uncertain significance for Aortic aneurysm, familial thoracic 7. Last evaluated: 2022-10-24. Review status: criteria provided, single submitter. Criteria: Invitae Variant Classification Sherloc (09022015). Collection method: clinical testing. Allele origin: germline.
Comment: This sequence change replaces glutamine, which is neutral and polar, with arginine, which is basic and polar, at codon 677 of the MYLK protein (p.Gln677Arg). This variant is not present in population databases (gnomAD no frequency). This variant has not been reported in the literature in individuals affected with MYLK-related conditions. ClinVar contains an entry for this variant (Variation ID: 1367056). Advanced modeling of protein sequence and biophysical properties (such as structural, functional, and spatial information, amino acid conservation, physicochemical variation, residue mobility, and thermodynamic stability) performed at Invitae indicates that this missense variant is not expected to disrupt MYLK protein function. Algorithms developed to predict the effect of sequence changes on RNA splicing suggest that this variant may disrupt the consensus splice site. In summary, the available evidence is currently insufficient to determine the role of this variant in disease. Therefore, it has been classified as a Variant of Uncertain Significance.

NM_053025.4(MYLK):c.2030A>G (p.Gln677Arg)

Gene: MYLK (myosin light chain kinase; minus strand). Cytogenetic location: 3q21.1.
Variant type: single nucleotide variant.
Coding change: c.2030A>G on transcript NM_053025.4 (MANE Select); coding-DNA position 2030, A replaced by G.
Protein change: p.Gln677Arg; replaces glutamine 677 with arginine.
Molecular consequence: missense variant.
Genome position (GRCh38, 1-based): chr3:123,708,808, T>C on the plus strand (A>G on the coding strand, the complement: MYLK is on the minus strand). VCF-style: chr3-123708808-T-C. GRCh37 (hg19) VCF-style: chr3-123427655-T-C.
Other names: c.1502A>G, p.Gln501Arg (NM_001321309.2); c.1823A>G, p.Gln608Arg (NM_053026.4, NM_053028.4); c.2030A>G, p.Gln677Arg (NM_053027.4); short protein forms Q608R, Q677R, Q501R.
Identifiers: ClinVar variation 1367056 (VCV001367056.8), dbSNP rs2108643039, ClinGen allele CA354234426.
Genomic context (GRCh38, chr3:123,708,808, plus strand): 5'-GCCTCGCAGGTGTACGTGCCCGTGTCCTCCGGGAACACTTCCTGGATACAAAGGCTGTGC[T>C]GAGTTCCTCTCTGTTCAAAGTGGAAGTCCTCTGACTCTTGGATCTCATTCCCATTGTGCA-3'
Protein context (NP_444253.3, residues 667-687): EDFHFEQRGT[Gln677Arg]HSLCIQEVFP